The following is an entry in ClinVar:

ClinVar aggregate classification (germline): Uncertain significance (1 of 4 stars; one submission).

gnomAD v4.1: 3 of 1,613,092 alleles (0.00019%); highest among the groups gnomAD compares: Admixed American, 0.0033%; no homozygotes.

Submission:

Labcorp Genetics (formerly Invitae), Labcorp
Classification: Uncertain significance. Last evaluated: 2025-03-07. Review status: criteria provided, single submitter. Criteria: Invitae Variant Classification Sherloc (09022015). Collection method: clinical testing. Allele origin: germline.
Comment: This sequence change replaces glycine, which is neutral and non-polar, with serine, which is neutral and polar, at codon 78 of the TCF3 protein (p.Gly78Ser). This variant is not present in population databases (gnomAD no frequency). This variant has not been reported in the literature in individuals affected with TCF3-related conditions. Invitae Evidence Modeling of protein sequence and biophysical properties (such as structural, functional, and spatial information, amino acid conservation, physicochemical variation, residue mobility, and thermodynamic stability) indicates that this missense variant is not expected to disrupt TCF3 protein function with a negative predictive value of 80%. In summary, the available evidence is currently insufficient to determine the role of this variant in disease. Therefore, it has been classified as a Variant of Uncertain Significance.

NM_003200.5(TCF3):c.232G>A (p.Gly78Ser)

Gene: TCF3 (transcription factor 3; minus strand). Cytogenetic location: 19p13.3.
Variant type: single nucleotide variant.
Coding change: c.232G>A on transcript NM_003200.5 (MANE Select); coding-DNA position 232, G replaced by A.
Protein change: p.Gly78Ser; replaces glycine 78 with serine.
Molecular consequence: missense variant.
Genome position (GRCh38, 1-based): chr19:1,632,104, C>T on the plus strand (G>A on the coding strand, the complement: TCF3 is on the minus strand). VCF-style: chr19-1632104-C-T. GRCh37 (hg19) VCF-style: chr19-1632103-C-T.
Other names: c.232G>A, p.Gly78Ser (NM_001136139.4, NM_001351778.2, NM_001351779.2); short protein forms G78S.
Identifiers: ClinVar variation 3674463 (VCV003674463.2).